The following is an entry in ClinVar:

ClinVar aggregate classification (germline): Uncertain significance. Review status: criteria provided, multiple submitters, no conflicts (2 of 4 stars). 2 submissions from 2 submitters: Uncertain significance (2). Last evaluated 2025-07-07.

Conditions:
Hereditary cancer-predisposing syndrome. Also called: Neoplastic Syndromes, Hereditary; Tumor predisposition; Hereditary neoplastic syndrome; Hereditary Cancer Syndrome. Identifiers: Orphanet 140162, MedGen C0027672, MeSH D009386, MONDO:0015356.

Allele frequency attached by ClinVar (database versions not stated): gnomAD exomes below 0.00001; ExAC 0.00001; gnomAD 0.00001.
gnomAD v4.1: 3 of 1,612,520 alleles (0.00019%); highest among the groups gnomAD compares: Admixed American, 0.005%; no homozygotes.

Submissions (2):

Ambry Genetics
Classification: Uncertain significance for Hereditary cancer-predisposing syndrome. Last evaluated: 2025-07-07. Review status: criteria provided, single submitter. Criteria: Ambry Variant Classification Scheme 2023. Collection method: clinical testing. Allele origin: germline.
Comment: The p.E330G variant (also known as c.989A>G), located in coding exon 7 of the RAD50 gene, results from an A to G substitution at nucleotide position 989. The glutamic acid at codon 330 is replaced by glycine, an amino acid with similar properties. This amino acid position is not well conserved in available vertebrate species. In addition, this alteration is predicted to be tolerated by in silico analysis. Since supporting evidence is limited at this time, the clinical significance of this alteration remains unclear.

Labcorp Genetics (formerly Invitae), Labcorp
Classification: Uncertain significance for Hereditary cancer-predisposing syndrome. Last evaluated: 2023-07-28. Review status: criteria provided, single submitter. Criteria: Invitae Variant Classification Sherloc (09022015). Collection method: clinical testing. Allele origin: germline.
Comment: This variant has not been reported in the literature in individuals affected with RAD50-related conditions. This sequence change replaces glutamic acid, which is acidic and polar, with glycine, which is neutral and non-polar, at codon 330 of the RAD50 protein (p.Glu330Gly). This variant is present in population databases (rs772700122, gnomAD 0.003%). ClinVar contains an entry for this variant (Variation ID: 823542). Advanced modeling of protein sequence and biophysical properties (such as structural, functional, and spatial information, amino acid conservation, physicochemical variation, residue mobility, and thermodynamic stability) has been performed at Invitae for this missense variant, however the output from this modeling did not meet the statistical confidence thresholds required to predict the impact of this variant on RAD50 protein function. In summary, the available evidence is currently insufficient to determine the role of this variant in disease. Therefore, it has been classified as a Variant of Uncertain Significance.

NM_005732.4(RAD50):c.989A>G (p.Glu330Gly)

Gene: RAD50 (RAD50 double strand break repair protein; plus strand). Cytogenetic location: 5q31.1.
Variant type: single nucleotide variant.
Coding change: c.989A>G on transcript NM_005732.4 (MANE Select); coding-DNA position 989, A replaced by G.
Protein change: p.Glu330Gly; replaces glutamic acid 330 with glycine.
Molecular consequence: missense variant.
Genome position (GRCh38, 1-based): chr5:132,588,027, A>G. VCF-style: chr5-132588027-A-G. GRCh37 (hg19) VCF-style: chr5-131923719-A-G.
Other names: short protein forms E330G.
Identifiers: ClinVar variation 823542 (VCV000823542.12), dbSNP rs772700122, ClinGen allele CA3405070.